The following is an entry in ClinVar:

NM_001197104.2(KMT2A):c.7553_7565del (p.Pro2518fs)

Gene: KMT2A (lysine methyltransferase 2A; plus strand). Cytogenetic location: 11q23.3.
Variant type: Deletion.
Coding change: c.7553_7565del on transcript NM_001197104.2 (MANE Select); coding-DNA positions 7553 to 7565, 13 bases deleted (CACGGAAACGCAC).
Protein change: p.Pro2518fs; shifts the reading frame from proline 2518.
Molecular consequence: frameshift variant.
Genome position (GRCh38, 1-based): chr11:118,503,445-118,503,457, CACGGAAACGCAC deleted; deleting any 13 consecutive bases within chr11:118,503,441-118,503,457 gives the same sequence; the c. name uses the placement nearest the transcript's 3' end. VCF-style (leftmost placement, unchanged base first): chr11-118503440-GGCACCACGGAAAC-G. GRCh37 (hg19) VCF-style: chr11-118374155-GGCACCACGGAAAC-G.
Other names: c.7553_7565delCACGGAAACGCAC, p.Pro2518Glnfs (NM_001197104.1); c.7643_7655del, p.Pro2548fs (NM_001412597.1); c.7544_7556del, p.Pro2515fs (NM_005933.4); short protein forms P2515fs, P2518fs, P2548fs.
Identifiers: ClinVar variation 2584505 (VCV002584505.1), dbSNP rs2496999974, ClinGen allele CA2582342478.
Genomic context (GRCh38, chr11:118,503,440, plus strand): 5'-TATGCCAGGAGTCCCCAAAGCTCCACCCATGCAAGTAGAAGGATCTGCCAAGGAATTACA[GGCACCACGGAAAC>G]GCACAGTCAAAGTGACACTGACACCTCTAAAAATGGAAAATGAGAGTCAATCCAAAAATG-3'

ClinVar aggregate classification (germline): Pathogenic (1 of 4 stars; one submission).

Conditions:
Wiedemann-Steiner syndrome (WDSTS). Also called: Growth deficiency and mental retardation with facial dysmorphism. Identifiers: Orphanet 319182, MedGen C1854630, MONDO:0011518, OMIM 605130.

Submission:

Rady Children's Institute for Genomic Medicine, Rady Children's Hospital San Diego
Classification: Pathogenic for WIEDEMANN-STEINER SYNDROME. Review status: criteria provided, single submitter. Criteria: ACMG Guidelines, 2015. Collection method: clinical testing. Allele origin: germline. Affected: yes.
Comment: This frameshifting variant in exon 27 of 36 introduces a premature stop codon and is therefore predicted to result in loss of normal protein function through either protein truncation or nonsense-mediated mRNA decay (NMD). Loss-of-function variation in KMT2A is an established mechanism of disease (PMID: 28359930, 31044088). The c.7553_7565del (p.Pro2518GlnfsTer4) variant is absent from the gnomAD population database and thus is presumed to be rare. Analysis of the parental samples was negative for the variant, indicating this variant likely occurred as a de novo event. Based on the available evidence, the c.7553_7565del (p.Pro2518GlnfsTer4) variant is classified as Pathogenic.